The following is an entry in ClinVar:

NM_000048.4(ASL):c.1062+16C>G

Gene: ASL (argininosuccinate lyase; plus strand). Cytogenetic location: 7q11.21.
Variant type: single nucleotide variant.
Coding change: c.1062+16C>G on transcript NM_000048.4 (MANE Select); 16 bases into the intron after coding-DNA position 1062, C replaced by G.
Molecular consequence: intron variant.
Genome position (GRCh38, 1-based): chr7:66,089,711, C>G. VCF-style: chr7-66089711-C-G. GRCh37 (hg19) VCF-style: chr7-65554698-C-G.
Other names: c.1062+16C>G (NM_001024943.2); c.1002+16C>G (NM_001024944.2); c.984+16C>G (NM_001024946.2).
Identifiers: ClinVar variation 380181 (VCV000380181.11), dbSNP rs192554187, ClinGen allele CA4277270.

ClinVar aggregate classification (germline): Benign. Review status: criteria provided, multiple submitters, no conflicts (2 of 4 stars). 3 submissions from 3 submitters: Benign (3). Last evaluated 2026-01-28.

Conditions:
Argininosuccinate lyase deficiency. Also called: Argininosuccinic aciduria; ARGININOSUCCINIC ACID LYASE DEFICIENCY; ASL DEFICIENCY. Identifiers: Orphanet 23, MedGen C0268547, MONDO:0008815, OMIM 207900, HP:0025630.

Allele frequency attached by ClinVar (database versions not stated): ESP Exome Variant Server 0.00669; 1000 Genomes Project 0.00220; 1000 Genomes Project 30x 0.00250; TOPMed 0.00581; ExAC 0.00638; gnomAD 0.00714.
gnomAD v4.1: 14,104 of 1,612,412 alleles (0.87%); highest among the groups gnomAD compares: Non-Finnish European, 1.1%; 78 homozygotes.

Submissions (3):

Labcorp Genetics (formerly Invitae), Labcorp
Classification: Benign for Argininosuccinate lyase deficiency. Last evaluated: 2026-01-28. Review status: criteria provided, single submitter. Criteria: Invitae Variant Classification Sherloc (09022015). Collection method: clinical testing. Allele origin: germline.

GeneDx
Classification: Benign. Last evaluated: 2017-10-19. Review status: criteria provided, single submitter. Criteria: GeneDx Variant Classification (06012015). Collection method: clinical testing. Allele origin: germline. Affected: yes.
Comment: This variant is considered likely benign or benign based on one or more of the following criteria: it is a conservative change, it occurs at a poorly conserved position in the protein, it is predicted to be benign by multiple in silico algorithms, and/or has population frequency not consistent with disease.

Breakthrough Genomics
Classification: Benign. Review status: criteria provided, single submitter. Criteria: ACMG Guidelines, 2015. Collection method: not provided. Allele origin: germline. Inheritance: Autosomal recessive inheritance. Affected: yes.